The following is an entry in ClinVar:

NM_001429.4(EP300):c.5124A>G (p.Leu1708=)

Gene: EP300 (E1A binding protein p300; plus strand). Cytogenetic location: 22q13.2.
Variant type: single nucleotide variant.
Coding change: c.5124A>G on transcript NM_001429.4 (MANE Select); coding-DNA position 5124, A replaced by G.
Protein change: p.Leu1708=; no amino-acid change (leucine 1708 retained).
Molecular consequence: synonymous variant.
Genome position (GRCh38, 1-based): chr22:41,176,835, A>G. VCF-style: chr22-41176835-A-G. GRCh37 (hg19) VCF-style: chr22-41572839-A-G.
Other names: c.5046A>G, p.Leu1682= (NM_001362843.2).
Identifiers: ClinVar variation 3351944 (VCV003351944.1).
Genomic context (GRCh38, chr22:41,176,835, plus strand): 5'-TTATGACTTGTGTATCACCTGCTATAACACTAAAAACCATGACCACAAAATGGAGAAACT[A>G]GGCCTTGGCTTAGATGATGAGAGCAACAACCAGCAGGCTGCAGCCACCCAGAGCCCAGGC-3'
Protein context (NP_001420.2, residues 1698-1718): TKNHDHKMEK[Leu1708=]GLGLDDESNN

ClinVar aggregate classification (germline): Likely benign (0 of 4 stars; one submission).

Conditions:
EP300-related disorder. Also called: EP300-related disorders; EP300-related condition.

Submission:

PreventionGenetics, part of Exact Sciences
Classification: Likely benign for EP300-related condition. Last evaluated: 2022-11-22. Review status: no assertion criteria provided. Collection method: clinical testing. Allele origin: germline.
Comment: This variant is classified as likely benign based on ACMG/AMP sequence variant interpretation guidelines (Richards et al. 2015 PMID: 25741868, with internal and published modifications).